The following is an entry in ClinVar:

ClinVar aggregate classification (germline): Uncertain significance. Review status: criteria provided, multiple submitters, no conflicts (2 of 4 stars). 2 submissions from 2 submitters: Uncertain significance (2). Last evaluated 2022-10-28.

Conditions:
POLD1-related polyposis and colorectal cancer syndrome (CRCS10). Also called: Colorectal cancer 10; COLORECTAL CANCER, SUSCEPTIBILITY TO, ON CHROMOSOME 19q; Colorectal cancer, susceptibility to, 10. Identifiers: Orphanet 220460, MedGen C2675481, MONDO:0012953, OMIM 612591.

Submissions (2):

GeneDx
Classification: Uncertain significance. Last evaluated: 2022-10-28. Review status: criteria provided, single submitter. Criteria: GeneDx Variant Classification Process June 2021. Collection method: clinical testing. Allele origin: germline. Affected: yes.
Comment: Not observed at significant frequency in large population cohorts (gnomAD); In silico analysis supports that this missense variant has a deleterious effect on protein structure/function; Has not been previously published as pathogenic or benign to our knowledge

Labcorp Genetics (formerly Invitae), Labcorp
Classification: Uncertain significance for POLD1-related polyposis and colorectal cancer syndrome. Last evaluated: 2022-02-25. Review status: criteria provided, single submitter. Criteria: Invitae Variant Classification Sherloc (09022015). Collection method: clinical testing. Allele origin: germline.
Comment: This sequence change replaces methionine, which is neutral and non-polar, with isoleucine, which is neutral and non-polar, at codon 611 of the POLD1 protein (p.Met611Ile). This variant is not present in population databases (gnomAD no frequency). This variant has not been reported in the literature in individuals affected with POLD1-related conditions. Algorithms developed to predict the effect of missense changes on protein structure and function are either unavailable or do not agree on the potential impact of this missense change (SIFT: "Deleterious"; PolyPhen-2: "Probably Damaging"; Align-GVGD: "Class C0"). In summary, the available evidence is currently insufficient to determine the role of this variant in disease. Therefore, it has been classified as a Variant of Uncertain Significance.

NM_002691.4(POLD1):c.1833G>A (p.Met611Ile)

Gene: POLD1 (DNA polymerase delta 1, catalytic subunit; plus strand). Cytogenetic location: 19q13.33.
Variant type: single nucleotide variant.
Coding change: c.1833G>A on transcript NM_002691.4 (MANE Select); coding-DNA position 1833, G replaced by A.
Protein change: p.Met611Ile; replaces methionine 611 with isoleucine.
Molecular consequence: missense variant. On other transcripts: non-coding transcript variant (1).
Genome position (GRCh38, 1-based): chr19:50,408,842, G>A. VCF-style: chr19-50408842-G-A. GRCh37 (hg19) VCF-style: chr19-50912099-G-A.
Other names: c.1833G>A (NM_002691.3); c.1833G>A, p.Met611Ile (NM_001256849.1); c.1911G>A, p.Met637Ile (NM_001308632.1); short protein forms M637I, M611I.
Identifiers: ClinVar variation 2101272 (VCV002101272.5), dbSNP rs1601225379, ClinGen allele CA406982047.